The following is an entry in ClinVar:

NM_032436.4(CHAMP1):c.2266C>T (p.His756Tyr)

Gene: CHAMP1 (chromosome alignment maintaining phosphoprotein 1; plus strand). Cytogenetic location: 13q34.
Variant type: single nucleotide variant.
Coding change: c.2266C>T on transcript NM_032436.4 (MANE Select); coding-DNA position 2266, C replaced by T.
Protein change: p.His756Tyr; replaces histidine 756 with tyrosine.
Molecular consequence: missense variant.
Genome position (GRCh38, 1-based): chr13:114,326,108, C>T. VCF-style: chr13-114326108-C-T. GRCh37 (hg19) VCF-style: chr13-115091583-C-T.
Other names: c.2266C>T, p.His756Tyr (NM_001164144.3, NM_001164145.3); short protein forms H756Y.
Identifiers: ClinVar variation 3344396 (VCV003344396.1).

ClinVar aggregate classification (germline): Uncertain significance (0 of 4 stars; one submission).

Conditions:
CHAMP1-related disorder. Also called: CHAMP1-related condition.

Submission:

PreventionGenetics, part of Exact Sciences
Classification: Uncertain significance for CHAMP1-related condition. Last evaluated: 2024-05-16. Review status: no assertion criteria provided. Collection method: clinical testing. Allele origin: germline.
Comment: The CHAMP1 c.2266C>T variant is predicted to result in the amino acid substitution p.His756Tyr. To our knowledge, this variant has not been reported in the literature or in a large population database, indicating this variant is rare. Although we suspect that this variant may be pathogenic, at this time, the clinical significance of this variant is uncertain due to the absence of conclusive functional and genetic evidence.